The following is an entry in ClinVar:

NM_000439.5(PCSK1):c.1939A>C (p.Ser647Arg)

Genes: CAST (calpastatin; plus strand), PCSK1 (proprotein convertase subtilisin/kexin type 1; minus strand), LOC101929710 (uncharacterized LOC101929710; plus strand). Cytogenetic location: 5q15.
Variant type: single nucleotide variant.
Coding change: c.1939A>C on transcript NM_000439.5 (MANE Select); coding-DNA position 1939, A replaced by C.
Protein change: p.Ser647Arg; replaces serine 647 with arginine.
Molecular consequence: missense variant. On other transcripts: intron variant (11).
Genome position (GRCh38, 1-based): chr5:96,393,324, T>G on the plus strand (A>C on the coding strand, the complement: PCSK1 is on the minus strand). VCF-style: chr5-96393324-T-G. GRCh37 (hg19) VCF-style: chr5-95729028-T-G.
Other names: c.1798A>C, p.Ser600Arg (NM_001177875.2); c.-175+13672T>G (NM_001423254.1, NM_001423259.1, NM_001423255.1 and 6 more transcripts); c.-103+13672T>G (NM_001423253.1); c.-40+13672T>G (NM_001423258.1); short protein forms S600R, S647R.
Identifiers: ClinVar variation 3355133 (VCV003355133.1).

ClinVar aggregate classification (germline): Uncertain significance (0 of 4 stars; one submission).

Conditions:
PCSK1-related disorder. Also called: PCSK1-related condition.

gnomAD v4.1: 1 of 1,614,100 alleles (0.000062%); highest among the groups gnomAD compares: Non-Finnish European, 0.000085%; no homozygotes.

Submission:

PreventionGenetics, part of Exact Sciences
Classification: Uncertain significance for PCSK1-related condition. Last evaluated: 2024-04-22. Review status: no assertion criteria provided. Collection method: clinical testing. Allele origin: germline.
Comment: The PCSK1 c.1939A>C variant is predicted to result in the amino acid substitution p.Ser647Arg. To our knowledge, this variant has not been reported in the literature or in a large population database, indicating this variant is rare. At this time, the clinical significance of this variant is uncertain due to the absence of conclusive functional and genetic evidence.